The following is an entry in ClinVar:

ClinVar aggregate classification (germline): Pathogenic/Likely pathogenic. Review status: criteria provided, multiple submitters, no conflicts (2 of 4 stars). 4 submissions from 4 submitters: Pathogenic (1); Likely pathogenic (3). Last evaluated 2025-02-14.

Conditions:
OTOGL-related disorder. Also called: OTOGL-related condition.
Autosomal recessive nonsyndromic hearing loss 84B. Also called: Deafness, autosomal recessive 84b. Identifiers: Orphanet 90636, MedGen C3554159, MONDO:0013984, OMIM 614944.

Allele frequency attached by ClinVar (database versions not stated): gnomAD exomes 0.00001 and 0.00007; TOPMed 0.00002; gnomAD 0.00004; ExAC 0.00008; 1000 Genomes Project 30x 0.00016.

Submissions (4):

PreventionGenetics, part of Exact Sciences
Classification: Likely pathogenic for OTOGL-related condition. Last evaluated: 2025-02-14. Review status: criteria provided, single submitter. Criteria: ACMG Guidelines, 2015. Collection method: clinical testing. Allele origin: germline.
Comment: The OTOGL c.36delG variant is predicted to result in a frameshift and premature protein termination (p.Leu13Cysfs*14). To our knowledge, this variant has not been reported in the literature. This variant is reported in 0.0019% of alleles in individuals of European (non-Finnish) descent in gnomAD. Frameshift variants in OTOGL are expected to be pathogenic. This variant is interpreted as likely pathogenic.

Labcorp Genetics (formerly Invitae), Labcorp
Classification: Pathogenic. Last evaluated: 2022-04-08. Review status: criteria provided, single submitter. Criteria: Invitae Variant Classification Sherloc (09022015). Collection method: clinical testing. Allele origin: germline.
Comment: For these reasons, this variant has been classified as Pathogenic. ClinVar contains an entry for this variant (Variation ID: 817079). This variant has not been reported in the literature in individuals affected with OTOGL-related conditions. This variant is present in population databases (rs376104832, gnomAD 0.002%). This sequence change creates a premature translational stop signal (p.Leu13Cysfs*14) in the OTOGL gene. It is expected to result in an absent or disrupted protein product. Loss-of-function variants in OTOGL are known to be pathogenic (PMID: 23122586).

Fulgent Genetics
Classification: Likely pathogenic for Autosomal recessive nonsyndromic hearing loss 84B. Last evaluated: 2022-02-09. Review status: criteria provided, single submitter. Criteria: ACMG Guidelines, 2015. Collection method: clinical testing. Allele origin: unknown.

GeneDx
Classification: Likely pathogenic. Last evaluated: 2018-04-20. Review status: criteria provided, single submitter. Criteria: GeneDx Variant Classification (06012015). Collection method: clinical testing. Allele origin: germline. Affected: yes.
Comment: The c.36delG variant in the OTOGL gene has not been reported previously as a pathogenic variant nor as a benign variant, to our knowledge. The c.36delG variant causes a frameshift starting with codon Leucine 13, changes this amino acid to a Cysteine residue, and creates a premature Stop codon at position 14 of the new reading frame, denoted p.Leu13CysfsX14. This variant is predicted to cause loss of normal protein function either through protein truncation or nonsense-mediated mRNA decay. The c.36delG variant is not observed at a significant frequency in large population cohorts (Lek et al., 2016). We interpret c.36delG as a likely pathogenic variant.

Literature cited by the submitters: PubMed 23122586 (cited by Labcorp Genetics (formerly Invitae), Labcorp).

NM_001378609.3(OTOGL):c.63del (p.Leu22fs)

Gene: OTOGL (otogelin like; plus strand). Cytogenetic location: 12q21.31.
Variant type: Deletion.
Coding change: c.63del on transcript NM_001378609.3 (MANE Select); coding-DNA position 63, one base deleted (G; older notation c.63delG).
Protein change: p.Leu22fs; shifts the reading frame from leucine 22.
Molecular consequence: frameshift variant.
Genome position (GRCh38, 1-based): chr12:80,209,494, G deleted. VCF-style (leftmost placement, unchanged base first): chr12-80209493-TG-T. GRCh37 (hg19) VCF-style: chr12-80603273-TG-T.
Other names: c.36delG (NM_173591.3); c.63del, p.Leu22fs (NM_001368062.3, NM_001378610.3, NM_173591.7); short protein forms L22fs.
Identifiers: ClinVar variation 817079 (VCV000817079.10), dbSNP rs376104832, ClinGen allele CA6700042.